The following is an entry in ClinVar:

ClinVar aggregate classification (germline): Uncertain significance (0 of 4 stars; one submission).

Conditions:
FAN1-related disorder. Also called: FAN1-related condition.

gnomAD v4.1: 21 of 1,612,830 alleles (0.0013%); highest among the groups gnomAD compares: Non-Finnish European, 0.0015%; no homozygotes.

Submission:

PreventionGenetics, part of Exact Sciences
Classification: Uncertain significance for FAN1-related condition. Last evaluated: 2024-08-17. Review status: no assertion criteria provided. Collection method: clinical testing. Allele origin: germline.
Comment: The FAN1 c.2864G>A variant is predicted to result in the amino acid substitution p.Arg955Gln. To our knowledge, this variant has not been reported in the literature. This variant is reported in 0.0040% of alleles in individuals of European (Finnish) descent in gnomAD. This variant has not been reported in ClinVar. At this time, the clinical significance of this variant is uncertain due to the absence of conclusive functional and genetic evidence.

NM_014967.5(FAN1):c.2864G>A (p.Arg955Gln)

Genes: FAN1 (FANCD2 and FANCI associated nuclease 1; plus strand), MTMR10 (myotubularin related protein 10; minus strand). Cytogenetic location: 15q13.3.
Variant type: single nucleotide variant.
Coding change: c.2864G>A on transcript NM_014967.5 (MANE Select); coding-DNA position 2864, G replaced by A.
Protein change: p.Arg955Gln; replaces arginine 955 with glutamine.
Molecular consequence: missense variant.
Genome position (GRCh38, 1-based): chr15:30,930,619, G>A. VCF-style: chr15-30930619-G-A. GRCh37 (hg19) VCF-style: chr15-31222822-G-A.
Other names: short protein forms R955Q.
Identifiers: ClinVar variation 3353428 (VCV003353428.1).
Genomic context (GRCh38, chr15:30,930,619, plus strand): 5'-TGGGGGGCCCTGTGCTCAGTGGTGTGTGCAGGCACCTGGCTGCTGACTTTCGACACTGTC[G>A]AGGGGGCCTCCCCGACCTGGTGGTGTGGAACTCCCAGAGCCGTCACTTTAAGGTCAGTTG-3'
Protein context (NP_055782.3, residues 945-965): RHLAADFRHC[Arg955Gln]GGLPDLVVWN